The following is an entry in ClinVar:

ClinVar aggregate classification (germline): Pathogenic (1 of 4 stars; one submission).

Conditions:
Neuromuscular disease caused by qualitative or quantitative defects of dysferlin. Also called: Qualitative or quantitative defects of dysferlin; Dysferlinopathy. Identifiers: Orphanet 207073, MedGen C2931687, MONDO:0016145.

Submission:

Labcorp Genetics (formerly Invitae), Labcorp
Classification: Pathogenic for Neuromuscular disease caused by qualitative or quantitative defects of dysferlin. Last evaluated: 2020-10-09. Review status: criteria provided, single submitter. Criteria: Invitae Variant Classification Sherloc (09022015). Collection method: clinical testing. Allele origin: germline.
Comment: For these reasons, this variant has been classified as Pathogenic. Loss-of-function variants in DYSF are known to be pathogenic (PMID: 17698709, 20301480). This variant has not been reported in the literature in individuals with DYSF-related conditions. This variant is not present in population databases (ExAC no frequency). This sequence change creates a premature translational stop signal (p.Ala577Phefs*52) in the DYSF gene. It is expected to result in an absent or disrupted protein product.

Literature cited by the submitters: PubMed 17698709; PubMed 20301480.

NM_001130987.2(DYSF):c.1778_1782dup (p.Ala595fs)

Gene: DYSF (dysferlin; plus strand). Cytogenetic location: 2p13.2.
Variant type: Duplication.
Coding change: c.1778_1782dup on transcript NM_001130987.2 (MANE Select); coding-DNA positions 1778 to 1782, 5 bases duplicated (TTCCT; older notation c.1778_1782dupTTCCT).
Protein change: p.Ala595fs; shifts the reading frame from alanine 595.
Molecular consequence: frameshift variant.
Genome position (GRCh38, 1-based): chr2:71,551,692-71,551,696, TTCCT duplicated. VCF-style (leftmost placement, unchanged base first): chr2-71551691-C-CTTCCT. GRCh37 (hg19) VCF-style: chr2-71778821-C-CTTCCT.
Other names: c.1727_1731dup, p.Ala578fs (NM_001130455.2, NM_001130983.2); c.1682_1686dup, p.Ala563fs (NM_001130976.2, NM_001130977.2); c.1724_1728dup, p.Ala577fs (NM_001130978.2, NM_003494.4); c.1817_1821dup, p.Ala608fs (NM_001130979.2); c.1775_1779dup, p.Ala594fs (NM_001130980.2, NM_001130981.2); c.1820_1824dup, p.Ala609fs (NM_001130982.2); c.1685_1689dup, p.Ala564fs (NM_001130984.2, NM_001130986.2); c.1778_1782dup, p.Ala595fs (NM_001130985.2); short protein forms A563fs, A564fs, A577fs, A578fs, A594fs, A595fs, A608fs, A609fs.
Identifiers: ClinVar variation 1073586 (VCV001073586.7), dbSNP rs2152788089, ClinGen allele CA2499216203.